The following is an entry in ClinVar:

ClinVar aggregate classification (germline): Pathogenic (1 of 4 stars; one submission).

Conditions:
Hereditary breast ovarian cancer syndrome. Also called: Hereditary breast and ovarian cancer syndrome; Hereditary breast and/or ovarian cancer syndrome; Hereditary breast and ovarian cancer; Breast and ovarian cancer; Hereditary breast and ovarian cancer syndrome (HBOC); BRCA1- and BRCA2-Associated Hereditary Breast and Ovarian Cancer. Identifiers: Orphanet 145, MedGen C0677776, MeSH D061325, MONDO:0003582. Disease mechanism: loss of function.

Submission:

Labcorp Genetics (formerly Invitae), Labcorp
Classification: Pathogenic for Hereditary breast ovarian cancer syndrome. Last evaluated: 2024-07-23. Review status: criteria provided, single submitter. Criteria: Invitae Variant Classification Sherloc (09022015). Collection method: clinical testing. Allele origin: germline.
Comment: This sequence change creates a premature translational stop signal (p.Tyr179Serfs*56) in the BRCA1 gene. It is expected to result in an absent or disrupted protein product. Loss-of-function variants in BRCA1 are known to be pathogenic (PMID: 20104584). This variant is not present in population databases (gnomAD no frequency). This variant has not been reported in the literature in individuals affected with BRCA1-related conditions. For these reasons, this variant has been classified as Pathogenic.

Literature cited by the submitters: PubMed 20104584.

NM_007294.4(BRCA1):c.532_533dup (p.Tyr179fs)

Gene: BRCA1 (BRCA1 DNA repair associated; minus strand). Cytogenetic location: 17q21.31.
Variant type: Duplication.
Coding change: c.532_533dup on transcript NM_007294.4 (MANE Select); coding-DNA positions 532 to 533, 2 bases duplicated (GT; older notation c.532_533dupGT).
Protein change: p.Tyr179fs; shifts the reading frame from tyrosine 179.
Molecular consequence: frameshift variant. On other transcripts: intron variant (2).
Genome position (GRCh38, 1-based): chr17:43,099,789-43,099,790, AC duplicated on the plus strand (GT on the coding strand, the reverse complement: BRCA1 is on the minus strand); duplicating any 2 consecutive bases within chr17:43,099,789-43,099,791 gives the same sequence; the c. name uses the placement nearest the transcript's 3' end. VCF-style (leftmost placement, unchanged base first): chr17-43099788-G-GAC. GRCh37 (hg19) VCF-style: chr17-41251805-G-GAC.
Other names: c.532_533dup, p.Tyr179fs (NM_001407582.1, NM_001407583.1, NM_001407585.1 and 96 more transcripts); c.319_320dup, p.Tyr108fs (NM_001407571.1, NM_001407853.1, NM_001407894.1 and 18 more transcripts); c.529_530dup, p.Tyr178fs (NM_001407587.1, NM_001407590.1, NM_001407591.1 and 65 more transcripts); c.523_524dup, p.Tyr176fs (NM_001407646.1, NM_001407647.1, NM_001408408.1); c.454_455dup, p.Tyr153fs (NM_001407653.1, NM_001407654.1, NM_001407655.1 and 12 more transcripts); c.451_452dup, p.Tyr152fs (NM_001407659.1, NM_001407660.1, NM_001407661.1 and 6 more transcripts); c.391_392dup, p.Tyr132fs (NM_001407692.1, NM_001407694.1, NM_001407695.1 and 61 more transcripts); c.388_389dup, p.Tyr131fs (NM_001407740.1, NM_001407741.1, NM_001407742.1 and 35 more transcripts); and 5 more; short protein forms Y108fs, Y109fs, Y52fs, Y132fs, Y152fs, Y153fs, Y178fs, Y51fs.
Identifiers: ClinVar variation 3660311 (VCV003660311.2).